The following is an entry in ClinVar:

ClinVar aggregate classification (germline): Likely pathogenic (1 of 4 stars; one submission).

Conditions:
Gorlin syndrome. Also called: Basal cell nevus syndrome; Nevoid Basal Cell Carcinoma Syndrome. Identifiers: Orphanet 377, MedGen C0004779, MONDO:0007187.

Submission:

Labcorp Genetics (formerly Invitae), Labcorp
Classification: Likely pathogenic for Gorlin syndrome. Last evaluated: 2017-09-12. Review status: criteria provided, single submitter. Criteria: Invitae Variant Classification Sherloc (09022015). Collection method: clinical testing. Allele origin: germline.
Comment: Family studies have indicated that this variant was not present in the parents of an individual affected with Gorlin syndrome, which suggests that it was de novo in that affected individual (Invitae). In summary, the currently available evidence indicates that the variant is pathogenic, but additional data are needed to prove that conclusively. Therefore, this variant has been classified as Likely Pathogenic. This in-frame deletion of 5 amino acids (Gly473-Val477) occurs within the third transmembrane domain (amino acids 473-498) of the PTCH1 protein (PMID: 16419085, 17021131, 8658145, 8981943). Experimental studies and prediction algorithms are not available for this variant, and the functional significance of the deleted amino acids is currently unknown. This variant is not present in population databases (ExAC no frequency). This variant, c.1418_1432delGCGTCCTGCTGGTTG, results in the deletion of 5 amino acids of the PTCH1 protein (p.Gly473_Val477del), but otherwise preserves the integrity of the reading frame.

Literature cited by the submitters: PubMed 16419085; PubMed 17021131; PubMed 8658145; PubMed 8981943.

NM_000264.5(PTCH1):c.1418_1432del (p.Gly473_Val477del)

Gene: PTCH1 (patched 1; minus strand). Cytogenetic location: 9q22.32.
Variant type: Deletion.
Coding change: c.1418_1432del on transcript NM_000264.5 (MANE Select); coding-DNA positions 1418 to 1432, 15 bases deleted (GCGTCCTGCTGGTTG).
Protein change: p.Gly473_Val477del.
Molecular consequence: inframe deletion. On other transcripts: non-coding transcript variant (1), intron variant (1).
Genome position (GRCh38, 1-based): chr9:95,477,618-95,477,632, CAACCAGCAGGACGC deleted on the plus strand (GCGTCCTGCTGGTTG on the coding strand, the reverse complement: PTCH1 is on the minus strand); deleting any 15 consecutive bases within chr9:95,477,618-95,477,634 gives the same sequence; the c. name uses the placement nearest the transcript's 3' end. VCF-style (leftmost placement, unchanged base first): chr9-95477617-GCAACCAGCAGGACGC-G. GRCh37 (hg19) VCF-style: chr9-98239899-GCAACCAGCAGGACGC-G.
Other names: c.1220_1234del, p.Gly407_Val411del (NM_001083602.3); c.1415_1429del, p.Gly472_Val476del (NM_001083603.3); c.965_979del, p.Gly322_Val326del (NM_001083604.3, NM_001083605.3, NM_001083606.3 and 1 more transcripts); c.1347+423_1347+437del (NM_001354918.2).
Identifiers: ClinVar variation 453786 (VCV000453786.9), dbSNP rs1554698582, ClinGen allele CA658656046.